The following is an entry in ClinVar:

NM_002185.5(IL7R):c.589_598del (p.Pro197fs)

Gene: IL7R (interleukin 7 receptor; plus strand). Cytogenetic location: 5p13.2.
Variant type: Deletion.
Coding change: c.589_598del on transcript NM_002185.5 (MANE Select); coding-DNA positions 589 to 598, 10 bases deleted (CCGGCAGCAA; older notation c.589_598delCCGGCAGCAA).
Protein change: p.Pro197fs; shifts the reading frame from proline 197.
Molecular consequence: frameshift variant.
Genome position (GRCh38, 1-based): chr5:35,873,531-35,873,540, CCGGCAGCAA deleted; deleting any 10 consecutive bases within chr5:35,873,528-35,873,540 gives the same sequence; the c. name uses the placement nearest the transcript's 3' end. VCF-style (leftmost placement, unchanged base first): chr5-35873527-CCAACCGGCAG-C. GRCh37 (hg19) VCF-style: chr5-35873629-CCAACCGGCAG-C.
Other names: c.589_598del, p.Pro197fs (NM_001410734.1); short protein forms P197fs.
Identifiers: ClinVar variation 2734715 (VCV002734715.3), dbSNP rs1471668405, ClinGen allele CA559294597.

ClinVar aggregate classification (germline): Pathogenic (1 of 4 stars; one submission).

Conditions:
Immunodeficiency 104. Also called: Severe combined immunodeficiency, autosomal recessive, T cell-negative, B cell-positive, NK cell-positive; IMMUNODEFICIENCY 104, SEVERE COMBINED; SCID, AUTOSOMAL RECESSIVE, T CELL-NEGATIVE, B CELL-POSITIVE, NK CELL-POSITIVE; Severe Combined Immune Deficiency, Autosomal Recessive, TCell -Negative, B Cell-Positive, NK Cell-Positive, IL7R-Related. Identifiers: MedGen C5676890, MONDO:0012163, OMIM 608971.

Submission:

Labcorp Genetics (formerly Invitae), Labcorp
Classification: Pathogenic for Immunodeficiency 104. Last evaluated: 2025-12-23. Review status: criteria provided, single submitter. Criteria: Invitae Variant Classification Sherloc (09022015). Collection method: clinical testing. Allele origin: germline.
Comment: This sequence change creates a premature translational stop signal (p.Pro197Cysfs*44) in the IL7R gene. It is expected to result in an absent or disrupted protein product. Loss-of-function variants in IL7R are known to be pathogenic (PMID: 21664875, 26123418). This variant is present in population databases (no rsID available, gnomAD no frequency). This premature translational stop signal has been observed in individual(s) with severe combined immunodeficiency (PMID: 26123418). In at least one individual the data is consistent with being in trans (on the opposite chromosome) from a pathogenic variant. ClinVar contains an entry for this variant (Variation ID: 2734715). Studies have shown that this premature translational stop signal alters IL7R gene expression (PMID: 26123418). For these reasons, this variant has been classified as Pathogenic.

Literature cited by the submitters: PubMed 21664875; PubMed 26123418.